The following is an entry in ClinVar:

ClinVar aggregate classification (germline): Pathogenic (1 of 4 stars; one submission).

Conditions:
Glycine encephalopathy 1 (GCE1). Identifiers: MedGen CN376801, MONDO:0958179, OMIM 605899.

Submission:

Myriad Genetics, Inc.
Classification: Pathogenic for Glycine encephalopathy 1. Last evaluated: 2025-01-14. Review status: criteria provided, single submitter. Criteria: Myriad Autosomal Dominant, Autosomal Recessive and X-Linked Classification Criteria (2023). Collection method: clinical testing. Allele origin: unknown.
Comment: NM_000170.2(GLDC):c.27dupG(L10Afs*79) is expected to be pathogenic in the context of glycine encephalopathy, GLDC-related. This variant is predicted to lead to an abnormal or absent protein product due to the creation of a premature termination codon in GLDC, a gene where loss-of-function variants are known to be pathogenic. Please note: this variant was assessed in the context of healthy population screening.

NM_000170.3(GLDC):c.27dup (p.Leu10fs)

Gene: GLDC (glycine decarboxylase; minus strand). Cytogenetic location: 9p24.1.
Variant type: Duplication.
Coding change: c.27dup on transcript NM_000170.3 (MANE Select); coding-DNA position 27, one base duplicated (G; older notation c.27dupG).
Protein change: p.Leu10fs; shifts the reading frame from leucine 10.
Molecular consequence: frameshift variant.
Genome position (GRCh38, 1-based): chr9:6,645,473, C duplicated on the plus strand (G on the coding strand, the reverse complement: GLDC is on the minus strand); the first of 5 consecutive C bases (chr9:6,645,473-6,645,477); duplicating any one gives the same sequence. VCF-style (leftmost placement, unchanged base first): chr9-6645472-G-GC. GRCh37 (hg19) VCF-style: chr9-6645472-G-GC.
Other names: short protein forms L10fs.
Identifiers: ClinVar variation 5013969 (VCV005013969.1).
Genomic context (GRCh38, chr9:6,645,472, plus strand): 5'-AGCACGGCCCCGATCCCCCAGCCAGGCGGCGGCCGCCCCCGACCCCGCGGCCCAGGCGCA[G>GC]CCCCCACGCCCTGGCACAGGACTGCATGGCCGCGGCCACCGTCCCCTGCCCCGGCCCGCA-3'